The following is an entry in ClinVar:

NM_006231.4(POLE):c.3196G>A (p.Asp1066Asn)

Gene: POLE (DNA polymerase epsilon, catalytic subunit; minus strand). Cytogenetic location: 12q24.33.
Variant type: single nucleotide variant.
Coding change: c.3196G>A on transcript NM_006231.4 (MANE Select); coding-DNA position 3196, G replaced by A.
Protein change: p.Asp1066Asn; replaces aspartic acid 1066 with asparagine.
Molecular consequence: missense variant.
Genome position (GRCh38, 1-based): chr12:132,659,374, C>T on the plus strand (G>A on the coding strand, the complement: POLE is on the minus strand). VCF-style: chr12-132659374-C-T. GRCh37 (hg19) VCF-style: chr12-133235960-C-T.
Other names: short protein forms D1066N.
Identifiers: ClinVar variation 405796 (VCV000405796.16), dbSNP rs1060500851, ClinGen allele CA16040482.

ClinVar aggregate classification (germline): Conflicting classifications of pathogenicity. Review status: criteria provided, conflicting classifications (1 of 4 stars). 4 submissions from 4 submitters: Uncertain significance (2); Likely benign (1). 1 of the submissions does not count toward it. Last evaluated 2025-12-22.

Conditions:
POLE-related disorder. Also called: POLE-related disorders; POLE-related condition.
Hereditary cancer-predisposing syndrome. Also called: Hereditary Cancer Syndrome; Hereditary neoplastic syndrome; Neoplastic Syndromes, Hereditary; Tumor predisposition. Identifiers: Orphanet 140162, MedGen C0027672, MeSH D009386, MONDO:0015356.

Allele frequency attached by ClinVar (database versions not stated): gnomAD exomes below 0.00001; gnomAD 0.00001; TOPMed 0.00002.
gnomAD v4.1: 2 of 1,614,114 alleles (0.00012%); highest among the groups gnomAD compares: African/African-American, 0.0013%; no homozygotes.

Submissions (4):

Labcorp Genetics (formerly Invitae), Labcorp
Classification: Uncertain significance. Last evaluated: 2025-12-22. Review status: criteria provided, single submitter. Criteria: Invitae Variant Classification Sherloc (09022015). Collection method: clinical testing. Allele origin: germline.
Comment: This sequence change replaces aspartic acid, which is acidic and polar, with asparagine, which is neutral and polar, at codon 1066 of the POLE protein (p.Asp1066Asn). This variant is present in population databases (no rsID available, gnomAD 0.004%). This variant has not been reported in the literature in individuals affected with POLE-related conditions. ClinVar contains an entry for this variant (Variation ID: 405796). Invitae Evidence Modeling of protein sequence and biophysical properties (such as structural, functional, and spatial information, amino acid conservation, physicochemical variation, residue mobility, and thermodynamic stability) indicates that this missense variant is not expected to disrupt POLE protein function with a negative predictive value of 80%. In summary, the available evidence is currently insufficient to determine the role of this variant in disease. Therefore, it has been classified as a Variant of Uncertain Significance.

Ambry Genetics
Classification: Likely benign for Hereditary cancer-predisposing syndrome. Last evaluated: 2024-12-08. Review status: criteria provided, single submitter. Criteria: Ambry Variant Classification Scheme 2023. Collection method: clinical testing. Allele origin: germline.

GeneDx
Classification: Uncertain significance. Last evaluated: 2021-01-21. Review status: criteria provided, single submitter. Criteria: GeneDx Variant Classification Process June 2021. Collection method: clinical testing. Allele origin: germline. Affected: yes.
Comment: Not observed at a significant frequency in large population cohorts (Lek 2016); In silico analysis supports that this missense variant has a deleterious effect on protein structure/function; Has not been previously published as pathogenic or benign to our knowledge

PreventionGenetics, part of Exact Sciences
Classification: Uncertain significance for POLE-related condition. Last evaluated: 2024-05-24. Review status: no assertion criteria provided. Collection method: clinical testing. Allele origin: germline. Not counted in ClinVar's aggregate classification.
Comment: The POLE c.3196G>A variant is predicted to result in the amino acid substitution p.Asp1066Asn. To our knowledge, this variant has not been reported in the literature. This variant is reported in 0.0040% of alleles in individuals of African descent in gnomAD. This variant has been reported as a variant of uncertain significance in ClinVar. At this time, the clinical significance of this variant is uncertain due to the absence of conclusive functional and genetic evidence.